The following is an entry in ClinVar:

ClinVar aggregate classification (germline): Uncertain significance (1 of 4 stars; one submission).

Conditions:
Atypical hemolytic-uremic syndrome. Identifiers: Orphanet 2134, MedGen C2931788, MONDO:0016244.
Basal laminar drusen. Also called: DRUSEN OF BRUCH MEMBRANE; DRUSEN, CUTICULAR; DRUSEN, EARLY ADULT-ONSET, GROUPED. Identifiers: Orphanet 75376, MedGen C0730295, MONDO:0007472, OMIM 126700.
Factor H deficiency (CFHD). Also called: COMPLEMENT FACTOR H DEFICIENCY; CFH DEFICIENCY. Identifiers: Orphanet 200421, MedGen C0398777, MONDO:0012350, OMIM 609814.
Age related macular degeneration 4. Identifiers: MedGen C1853147, MONDO:0012540, OMIM 610698.

Submission:

Genomenon, Inc
Classification: Uncertain significance for Basal laminar drusen; Age related macular degeneration 4; Atypical hemolytic-uremic syndrome; Factor H deficiency. Last evaluated: 2025-10-02. Review status: criteria provided, single submitter. Criteria: Genomenon Sequence Variant Interpretation Standards - Updated. Collection method: curation. Allele origin: germline. Affected: no.
Comment: CFH p.Ile881Leu (c.2641A>C) is a missense variant that changes the amino acid at residue 881 from Isoleucine to Leucine. This variant has been reported in the published literature (PMID:17089378;25188723). It is absent or not present at a significant frequency in gnomAD. In conclusion, we classify CFH p.Ile881Leu (c.2641A>C) as a variant of uncertain significance.

Literature cited by the submitters: PubMed 17089378; PubMed 25188723.

NM_000186.4(CFH):c.2641A>C (p.Ile881Leu)

Gene: CFH (complement factor H; plus strand). Cytogenetic location: 1q31.3.
Variant type: single nucleotide variant.
Coding change: c.2641A>C on transcript NM_000186.4 (MANE Select); coding-DNA position 2641, A replaced by C.
Protein change: p.Ile881Leu; replaces isoleucine 881 with leucine.
Molecular consequence: missense variant.
Genome position (GRCh38, 1-based): chr1:196,737,519, A>C. VCF-style: chr1-196737519-A-C. GRCh37 (hg19) VCF-style: chr1-196706649-A-C.
Other names: short protein forms I881L.
Identifiers: ClinVar variation 4291496 (VCV004291496.1).
Genomic context (GRCh38, chr1:196,737,519, plus strand): 5'-TTCATTCTTCATTTAGAAAAAATTCCATGTTCACAACCACCTCAGATAGAACACGGAACC[A>C]TTAATTCATCCAGGTCTTCACAAGAAAGTTATGCACATGGGACTAAATTGAGTTATACTT-3'
Protein context (NP_000177.2, residues 871-891): SQPPQIEHGT[Ile881Leu]NSSRSSQESY